The following is an entry in ClinVar:

NM_012144.4(DNAI1):c.1064-1G>C

Gene: DNAI1 (dynein axonemal intermediate chain 1; plus strand). Cytogenetic location: 9p13.3.
Variant type: single nucleotide variant.
Coding change: c.1064-1G>C on transcript NM_012144.4 (MANE Select); the canonical splice acceptor site of the intron before coding-DNA position 1064, G replaced by C.
Molecular consequence: splice acceptor variant.
Genome position (GRCh38, 1-based): chr9:34,506,626, G>C. VCF-style: chr9-34506626-G-C. GRCh37 (hg19) VCF-style: chr9-34506624-G-C.
Other names: c.1076-1G>C (NM_001281428.2).
Identifiers: ClinVar variation 4815535 (VCV004815535.1).

ClinVar aggregate classification (germline): Likely pathogenic (1 of 4 stars; one submission).

Conditions:
Primary ciliary dyskinesia. Also called: Ciliary dyskinesia. Identifiers: Orphanet 244, MedGen C0008780, MONDO:0016575, HP:0012265.

Submission:

Natera, Inc.
Classification: Likely pathogenic for Primary ciliary dyskinesia. Last evaluated: 2024-08-23. Review status: criteria provided, single submitter. Criteria: Natera Variant Classification Schema (03/2026). Collection method: clinical testing. Allele origin: germline.
Comment: The c.1064-1G>C variant in DNAI1 is a canonical splice acceptor site variant predicted to affect pre-mRNA splicing, which may result in an abnormal transcript and altered protein product. This variant is expected to result in nonsense mediated decay, truncation, or a dysfunctional protein product. This variant is rare in the general population with a frequency below the threshold expected for the associated phenotype(s). Given the available evidence, this variant is classified as Likely Pathogenic.